The following is an entry in ClinVar:

ClinVar aggregate classification (germline): Uncertain significance (1 of 4 stars; one submission).

Conditions:
Familial hemophagocytic lymphohistiocytosis 3 (FHL3). Also called: UNC13D-Related Familial Hemophagocytic Lymphohistiocytosis (UNC13D-fHLH). Identifiers: Orphanet 540, MedGen C1837174, MONDO:0012146, OMIM 608898.

gnomAD v4.1: 5 of 1,612,728 alleles (0.00031%); highest among the groups gnomAD compares: Non-Finnish European, 0.00042%; no homozygotes.

Submission:

Labcorp Genetics (formerly Invitae), Labcorp
Classification: Uncertain significance for Familial hemophagocytic lymphohistiocytosis 3. Last evaluated: 2024-08-12. Review status: criteria provided, single submitter. Criteria: Invitae Variant Classification Sherloc (09022015). Collection method: clinical testing. Allele origin: germline.
Comment: This sequence change replaces arginine, which is basic and polar, with leucine, which is neutral and non-polar, at codon 23 of the UNC13D protein (p.Arg23Leu). This variant is not present in population databases (gnomAD no frequency). This variant has not been reported in the literature in individuals affected with UNC13D-related conditions. ClinVar contains an entry for this variant (Variation ID: 2168060). An algorithm developed to predict the effect of missense changes on protein structure and function (PolyPhen-2) suggests that this variant is likely to be disruptive. In summary, the available evidence is currently insufficient to determine the role of this variant in disease. Therefore, it has been classified as a Variant of Uncertain Significance.

NM_199242.3(UNC13D):c.68G>T (p.Arg23Leu)

Gene: UNC13D (unc-13 homolog D; minus strand). Cytogenetic location: 17q25.1.
Variant type: single nucleotide variant.
Coding change: c.68G>T on transcript NM_199242.3 (MANE Select); coding-DNA position 68, G replaced by T.
Protein change: p.Arg23Leu; replaces arginine 23 with leucine.
Molecular consequence: missense variant.
Genome position (GRCh38, 1-based): chr17:75,844,270, C>A on the plus strand (G>T on the coding strand, the complement: UNC13D is on the minus strand). VCF-style: chr17-75844270-C-A. GRCh37 (hg19) VCF-style: chr17-73840351-C-A.
Other names: short protein forms R23L.
Identifiers: ClinVar variation 2168060 (VCV002168060.4), dbSNP rs554971343, ClinGen allele CA401120229.